The following is an entry in ClinVar:

NM_000492.4(CFTR):c.1589T>A (p.Ile530Asn)

Genes: CFTR (CF transmembrane conductance regulator; plus strand), LOC111674475 (CFTR intron 11 enhancer; plus strand). Cytogenetic location: 7q31.2.
Variant type: single nucleotide variant.
Coding change: c.1589T>A on transcript NM_000492.4 (MANE Select); coding-DNA position 1589, T replaced by A.
Protein change: p.Ile530Asn; replaces isoleucine 530 with asparagine.
Molecular consequence: missense variant.
Genome position (GRCh38, 1-based): chr7:117,587,743, T>A. VCF-style: chr7-117587743-T-A. GRCh37 (hg19) VCF-style: chr7-117227797-T-A.
Other names: I530N.
Identifiers: ClinVar variation 1705991 (VCV001705991.3), dbSNP rs1338239866, ClinGen allele CA368975809.

ClinVar aggregate classification (germline): Conflicting classifications of pathogenicity. Review status: criteria provided, conflicting classifications (1 of 4 stars). 3 submissions from 3 submitters: Likely pathogenic (1); Uncertain significance (2). Last evaluated 2025-07-14.

Conditions:
Cystic fibrosis (CF). Also called: MUCOVISCIDOSIS. Identifiers: Orphanet 586, MedGen C0010674, MONDO:0009061, OMIM 219700. Disease mechanism: loss of function.

Allele frequency attached by ClinVar (database versions not stated): gnomAD 0.00001; TOPMed below 0.00001.
gnomAD v4.1: 2 of 1,598,872 alleles (0.00013%); highest among the groups gnomAD compares: Admixed American, 0.0033%; no homozygotes.

Submissions (3):

Ambry Genetics
Classification: Uncertain significance for Cystic fibrosis. Last evaluated: 2025-07-14. Review status: criteria provided, single submitter. Criteria: Ambry Variant Classification Scheme 2023. Collection method: clinical testing. Allele origin: germline.

Women's Health and Genetics/Laboratory Corporation of America, LabCorp
Classification: Uncertain significance. Last evaluated: 2023-07-28. Review status: criteria provided, single submitter. Criteria: LabCorp Variant Classification Summary - May 2015. Collection method: clinical testing. Allele origin: germline.
Comment: Variant summary: CFTR c.1589T>A (p.Ile530Asn) results in a non-conservative amino acid change in the encoded protein sequence. Four of four in-silico tools predict a damaging effect of the variant on protein function. The variant allele was found at a frequency of 4e-06 in 250900 control chromosomes (gnomAD). The available data on variant occurrences in the general population are insufficient to allow any conclusion about variant significance. To our knowledge, no occurrence of c.1589T>A in individuals affected with Cystic Fibrosis and no experimental evidence demonstrating its impact on protein function have been reported. However, other missense changes affecting the same amino acid (i.e. I530L, I530T) have been reported in affected individuals (PMIDs 18782298, 32429104). One submitter has cited clinical-significance assessments for this variant to ClinVar, reporting a patient with a clinically confirmed diagnosis of cystic fibrosis (RCV002284521.1), and classifying the variant as likely pathogenic. Based on the evidence outlined above, the variant was classified as uncertain significance.

Institute of Human Genetics, University of Leipzig Medical Center
Classification: Likely pathogenic for Cystic fibrosis. Last evaluated: 2022-09-05. Review status: criteria provided, single submitter. Criteria: ACMG Guidelines, 2015. Collection method: curation. Allele origin: unknown. Affected: yes. Observed: 1 variant allele.
Comment: The variant was classified in the context of a project re-classifying variants in the German Cystic Fibrosis Registry (Muko.e.V.). Criteria applied: PM2_SUP, PM5_STR, PP3